The following is an entry in ClinVar:

NM_001277115.2(DNAH11):c.239A>G (p.Tyr80Cys)

Gene: DNAH11 (dynein axonemal heavy chain 11; plus strand). Cytogenetic location: 7p15.3.
Variant type: single nucleotide variant.
Coding change: c.239A>G on transcript NM_001277115.2 (MANE Select); coding-DNA position 239, A replaced by G.
Protein change: p.Tyr80Cys; replaces tyrosine 80 with cysteine.
Molecular consequence: missense variant.
Genome position (GRCh38, 1-based): chr7:21,543,484, A>G. VCF-style: chr7-21543484-A-G. GRCh37 (hg19) VCF-style: chr7-21583102-A-G.
Other names: short protein forms Y80C.
Identifiers: ClinVar variation 1483006 (VCV001483006.8), dbSNP rs2128424856, ClinGen allele CA366931435.

ClinVar aggregate classification (germline): Uncertain significance (1 of 4 stars; one submission).

Conditions:
Primary ciliary dyskinesia. Also called: Ciliary dyskinesia. Identifiers: Orphanet 244, MedGen C0008780, MONDO:0016575, HP:0012265.

Allele frequency attached by ClinVar (database versions not stated): gnomAD exomes below 0.00001.
gnomAD v4.1: 1 of 1,601,224 alleles (0.000062%); highest among the groups gnomAD compares: Admixed American, 0.0017%; no homozygotes.

Submission:

Labcorp Genetics (formerly Invitae), Labcorp
Classification: Uncertain significance for Primary ciliary dyskinesia. Last evaluated: 2021-04-14. Review status: criteria provided, single submitter. Criteria: Invitae Variant Classification Sherloc (09022015). Collection method: clinical testing. Allele origin: germline.
Comment: This variant is not present in population databases (ExAC no frequency). This sequence change replaces tyrosine with cysteine at codon 80 of the DNAH11 protein (p.Tyr80Cys). The tyrosine residue is moderately conserved and there is a large physicochemical difference between tyrosine and cysteine. In summary, the available evidence is currently insufficient to determine the role of this variant in disease. Therefore, it has been classified as a Variant of Uncertain Significance. Advanced modeling of protein sequence and biophysical properties (such as structural, functional, and spatial information, amino acid conservation, physicochemical variation, residue mobility, and thermodynamic stability) performed at Invitae indicates that this missense variant is not expected to disrupt DNAH11 protein function. This variant has not been reported in the literature in individuals with DNAH11-related conditions.